The following is an entry in ClinVar:

NM_000169.3(GLA):c.963_964delinsCA (p.Gln321_Asp322delinsHisAsn)

Genes: GLA (galactosidase alpha; minus strand), RPL36A-HNRNPH2 (RPL36A-HNRNPH2 readthrough; plus strand). Cytogenetic location: Xq22.1.
Variant type: Indel.
Coding change: c.963_964delinsCA on transcript NM_000169.3 (MANE Select); coding-DNA positions 963 to 964, GG replaced by CA.
Protein change: p.Gln321_Asp322delinsHisAsn.
Molecular consequence: missense variant. On other transcripts: non-coding transcript variant (3), intron variant (2).
Genome position (GRCh38, 1-based): chrX:101,398,405-101,398,406, CC replaced by TG on the plus strand (GG replaced by CA on the coding strand, the reverse complement: GLA is on the minus strand). VCF-style: chrX-101398405-CC-TG. GRCh37 (hg19) VCF-style: chrX-100653393-CC-TG.
Other names: c.1086_1087delinsCA, p.Gln362_Asp363delinsHisAsn (NM_001406747.1); c.963_964delinsCA, p.Gln321_Asp322delinsHisAsn (NM_001406748.1); c.300+2948_300+2949delinsTG (NM_001199973.2); c.177+6583_177+6584delinsTG (NM_001199974.2).
Identifiers: ClinVar variation 4087237 (VCV004087237.2), dbSNP rs869312455.

ClinVar aggregate classification (germline): Likely pathogenic (1 of 4 stars; one submission).

Conditions:
Fabry disease. Also called: ALPHA-GALACTOSIDASE A DEFICIENCY; ANDERSON-FABRY DISEASE; CERAMIDE TRIHEXOSIDASE DEFICIENCY; GLA DEFICIENCY; HEREDITARY DYSTOPIC LIPIDOSIS; Angiokeratoma corporis diffusum. Identifiers: Orphanet 324, MedGen C0002986, MONDO:0010526, OMIM 301500, HP:0001071. Disease mechanism: Fabry disease is due to inactivating mutations in the X-linked GLA gene resulting in deficiency of the enzyme Alpha Galactosidase-A., loss of function.

Submission:

Genomenon, Inc
Classification: Likely pathogenic for Fabry disease. Last evaluated: 2026-09-08. Review status: criteria provided, single submitter. Criteria: Genomenon Sequence Variant Interpretation Standards - Updated. Collection method: curation. Allele origin: germline. Affected: yes.
Comment: GLA p.Gln321_Asp322delinsHisAsn (c.963_964delinsCA) is an in-frame deletion-insertion variant resulting in the replacement of Glutamine at codon 321 and Aspartic acid at codon 322 with Histidine and Asparagine. This variant has been observed in at least one proband with clinical features consistent with Fabry disease (PMID:32813676;38940325;35971858). At least one functional study has demonstrated a substantial alteration in protein function relative to the wild-type (PMID:27657681). It is absent or not present at a significant frequency in gnomAD. In conclusion, we classify GLA p.Gln321_Asp322delinsHisAsn (c.963_964delinsCA) as a likely pathogenic variant.

Literature cited by the submitters: PubMed 32813676; PubMed 38940325; PubMed 35971858; PubMed 27657681.